The following is an entry in ClinVar:

NM_001267550.2(TTN):c.16091G>A (p.Arg5364His)

Gene: TTN (titin; minus strand). Cytogenetic location: 2q31.2.
Variant type: single nucleotide variant.
Coding change: c.16091G>A on transcript NM_001267550.2 (MANE Select); coding-DNA position 16091, G replaced by A.
Protein change: p.Arg5364His; replaces arginine 5364 with histidine.
Molecular consequence: missense variant. On other transcripts: intron variant (3).
Genome position (GRCh38, 1-based): chr2:178,733,085, C>T on the plus strand (G>A on the coding strand, the complement: TTN is on the minus strand). VCF-style: chr2-178733085-C-T. GRCh37 (hg19) VCF-style: chr2-179597812-C-T.
Other names: c.15140G>A, p.Arg5047His (NM_001256850.1); c.13282+4997G>A (NM_003319.4); c.13858+4997G>A (NM_133437.4); c.13657+4997G>A (NM_133432.3); c.12359G>A, p.Arg4120His (NM_133378.4); short protein forms R4120H, R5364H, R5047H.
Identifiers: ClinVar variation 178256 (VCV000178256.36), dbSNP rs200941841, ClinGen allele CA181933.

ClinVar aggregate classification (germline): Conflicting classifications of pathogenicity. Review status: criteria provided, conflicting classifications (1 of 4 stars). 11 submissions from 11 submitters: Uncertain significance (5); Likely benign (6). Last evaluated 2026-03-27.

Conditions:
Dilated cardiomyopathy 1G (CMD1G). Identifiers: Orphanet 154, MedGen C1858763, MONDO:0011400, OMIM 604145.
Autosomal recessive limb-girdle muscular dystrophy type 2J (LGMDR10). Also called: Limb-girdle muscular dystrophy, type 2J; MUSCULAR DYSTROPHY, LIMB-GIRDLE, AUTOSOMAL RECESSIVE 10. Identifiers: Orphanet 140922, MedGen C1837342, MONDO:0012127, OMIM 608807.
Cardiomyopathy (CMYO). Also called: Cardiomyopathies. Identifiers: Orphanet 167848, MedGen C0878544, MONDO:0004994, HP:0001638. Inheritance: Various modes of inheritance.

Allele frequency attached by ClinVar (database versions not stated): ESP Exome Variant Server 0.00008; gnomAD 0.00013; gnomAD exomes 0.00014; ExAC 0.00016; TOPMed 0.00019.
gnomAD v4.1: 115 of 1,603,196 alleles (0.0072%); highest among the groups gnomAD compares: East Asian, 0.043%; no homozygotes.

Submissions (11):

Molecular Diagnostic Laboratory for Inherited Cardiovascular Disease, Montreal Heart Institute
Classification: Likely benign. Last evaluated: 2026-03-27. Review status: criteria provided, single submitter. Criteria: ACMG Guidelines, 2015. Collection method: clinical testing. Allele origin: germline. Affected: no.
Comment: BS1;BP1

Women's Health and Genetics/Laboratory Corporation of America, LabCorp
Classification: Likely benign. Last evaluated: 2026-02-09. Review status: criteria provided, single submitter. Criteria: LabCorp Variant Classification Summary - May 2015. Collection method: clinical testing. Allele origin: germline.
Comment: Variant summary: TTN c.12359G>A (p.Arg4120His) results in a non-conservative amino acid change in the encoded protein sequence. Algorithms developed to predict the effect of missense changes on protein structure and function are either unavailable or do not agree on the potential impact of this missense change. The variant allele was found at a frequency of 7.2e-05 in 1603196 control chromosomes, predominantly at a frequency of 0.00043 within the East Asian subpopulation in the gnomAD database. The observed variant frequency within East Asian control individuals in the gnomAD database exceeds the estimated maximal expected allele frequency for disease-causing variants in TTN. To our knowledge, no occurrence of c.12359G>A in individuals affected with TTN-related conditions and no experimental evidence demonstrating its impact on protein function have been reported. The following publications have been ascertained in the context of this evaluation (PMID: 25759019, 24816253, 36502923). ClinVar contains an entry for this variant (Variation ID: 178256). Based on the evidence outlined above, the variant was classified as likely benign.

Labcorp Genetics (formerly Invitae), Labcorp
Classification: Likely benign for Dilated cardiomyopathy 1G; Autosomal recessive limb-girdle muscular dystrophy type 2J. Last evaluated: 2026-02-01. Review status: criteria provided, single submitter. Criteria: Invitae Variant Classification Sherloc (09022015). Collection method: clinical testing. Allele origin: germline.

Greenwood Genetic Center Diagnostic Laboratories, Greenwood Genetic Center
Classification: Uncertain significance. Last evaluated: 2024-11-13. Review status: criteria provided, single submitter. Criteria: ACMG Guidelines, 2015. Collection method: clinical testing. Allele origin: germline. Affected: yes.
Comment: PP2

Blueprint Genetics
Classification: Likely benign. Last evaluated: 2024-09-30. Review status: criteria provided, single submitter. Criteria: ACMG Guidelines, 2015. Collection method: clinical testing. Allele origin: germline.

CHEO Genetics Diagnostic Laboratory, Children's Hospital of Eastern Ontario
Classification: Likely benign for Cardiomyopathy. Last evaluated: 2022-12-14. Review status: criteria provided, single submitter. Criteria: ACMG Guidelines, 2015. Collection method: clinical testing. Allele origin: germline.

Revvity Omics, Revvity
Classification: Uncertain significance. Last evaluated: 2021-09-20. Review status: criteria provided, single submitter. Criteria: ACMG Guidelines, 2015. Collection method: clinical testing. Allele origin: germline.

ARUP Laboratories, Molecular Genetics and Genomics, ARUP Laboratories
Classification: Uncertain significance. Last evaluated: 2020-12-26. Review status: criteria provided, single submitter. Criteria: ARUP Molecular Germline Variant Investigation Process 2021. Collection method: clinical testing. Allele origin: germline.
Comment: The TTN c.16091G>A; p.Arg5364His variant (rs200941841; ClinVar Variation ID: 178256) is rare in the general population (<0.2% allele frequency in the Genome Aggregation Database) and has not been reported in the medical literature in association with dilated cardiomyopathy (DCM) or other TTN-related disease. The clinical relevance of rare missense variants in this gene, which are identified on average once per individual sequenced in affected populations (Herman 2012), is not well understood. Yet, evidence suggests that the vast majority of such missense variants do not contribute to the clinical outcome of DCM (Begay 2015). Thus, the clinical significance of the p.Arg5364His variant cannot be determined with certainty. References: Begay RL et al. Role of Titin Missense Variants in Dilated Cardiomyopathy. J Am Heart Assoc. 2015 Nov 13;4(11). Herman DS et al. Truncations of titin causing dilated cardiomyopathy. N Engl J Med. 2012 Feb 16;366(7):619-28. Linke WA and Hamdani N. Gigantic business: titin properties and function through thick and thin. Circ Res 2014; 114(6): 1052-1068.

GeneDx
Classification: Likely benign. Last evaluated: 2019-01-11. Review status: criteria provided, single submitter. Criteria: GeneDx Variant Classification Process June 2021. Collection method: clinical testing. Allele origin: germline. Affected: yes.

Eurofins Ntd Llc (ga)
Classification: Uncertain significance. Last evaluated: 2015-09-29. Review status: criteria provided, single submitter. Criteria: EGL Classification Definitions 2015. Collection method: clinical testing. Allele origin: germline. Observed: 1 variant allele, 1 heterozygote.

Laboratory for Molecular Medicine, Mass General Brigham Personalized Medicine
Classification: Uncertain significance. Last evaluated: 2013-12-17. Review status: criteria provided, single submitter. Criteria: LMM Criteria. Collection method: clinical testing. Allele origin: germline. Observed: 1 variant allele.
Comment: The Arg4120His variant in TTN has not been previously reported in individuals wi th cardiomyopathy, but has been identified in 1/3882 African American chromosome s by the NHLBI Exome Sequencing Project (dbSN P rs200941841). Computational analyses (biochemical amino acid properties, conse rvation, AlignGVGD, PolyPhen2, and SIFT) do not provide strong support for or ag ainst an impact to the protein. Additional information is needed to fully asses s the clinical significance of this variant.

Literature cited by the submitters: PubMed 25759019 (cited by Women's Health and Genetics/Laboratory Corporation of America, LabCorp); PubMed 24816253 (cited by Women's Health and Genetics/Laboratory Corporation of America, LabCorp); PubMed 36502923 (cited by Women's Health and Genetics/Laboratory Corporation of America, LabCorp).